The following is an entry in ClinVar:

NM_021076.4(NEFH):c.1845G>A (p.Pro615=)

Gene: NEFH (neurofilament heavy chain; plus strand). Cytogenetic location: 22q12.2.
Variant type: single nucleotide variant.
Coding change: c.1845G>A on transcript NM_021076.4 (MANE Select); coding-DNA position 1845, G replaced by A.
Protein change: p.Pro615=; no amino-acid change (proline 615 retained).
Molecular consequence: synonymous variant.
Genome position (GRCh38, 1-based): chr22:29,489,485, G>A. VCF-style: chr22-29489485-G-A. GRCh37 (hg19) VCF-style: chr22-29885474-G-A.
Other names: c.1845G>A (NM_021076.3).
Identifiers: ClinVar variation 1369343 (VCV001369343.11), dbSNP rs375099907, ClinGen allele CA10174286.

ClinVar aggregate classification (germline): Likely benign. Review status: criteria provided, multiple submitters, no conflicts (2 of 4 stars). 3 submissions from 3 submitters: Likely benign (2). 1 of the submissions does not count toward it. Last evaluated 2026-07-01.

Conditions:
NEFH-related disorder. Also called: NEFH-related condition.

Allele frequency attached by ClinVar (database versions not stated): gnomAD exomes 0.00006; ExAC 0.00007; gnomAD 0.00008; TOPMed 0.00011; ESP Exome Variant Server 0.00015; 1000 Genomes Project 30x 0.00016; 1000 Genomes Project 0.00020.
gnomAD v4.1: 93 of 1,593,480 alleles (0.0058%); highest among the groups gnomAD compares: South Asian, 0.012%; no homozygotes.

Submissions (3):

CeGaT Center for Human Genetics Tuebingen
Classification: Likely benign. Last evaluated: 2026-07-01. Review status: criteria provided, single submitter. Criteria: CeGaT Center For Human Genetics Tuebingen Variant Classification Criteria Version 2. Collection method: clinical testing. Allele origin: germline. Affected: yes. Observed: 1 variant allele.
Comment: NEFH: BP4, BP7

Labcorp Genetics (formerly Invitae), Labcorp
Classification: Likely benign. Last evaluated: 2026-01-18. Review status: criteria provided, single submitter. Criteria: Invitae Variant Classification Sherloc (09022015). Collection method: clinical testing. Allele origin: germline.

PreventionGenetics, part of Exact Sciences
Classification: Likely benign for NEFH-related condition. Last evaluated: 2023-12-26. Review status: no assertion criteria provided. Collection method: clinical testing. Allele origin: germline. Not counted in ClinVar's aggregate classification.
Comment: This variant is classified as likely benign based on ACMG/AMP sequence variant interpretation guidelines (Richards et al. 2015 PMID: 25741868, with internal and published modifications).